The following is an entry in ClinVar:

ClinVar aggregate classification (germline): Uncertain significance (1 of 4 stars; one submission).

Conditions:
Encephalopathy, acute, infection-induced (herpes-specific), susceptibility to, 6. Also called: Herpes simplex encephalitis, susceptibility to, 4. Identifiers: Orphanet 1930, MedGen C3553869, MONDO:0013921, OMIM 614850.

Allele frequency attached by ClinVar (database versions not stated): gnomAD exomes below 0.00001; gnomAD 0.00001; TOPMed below 0.00001.

Submission:

Labcorp Genetics (formerly Invitae), Labcorp
Classification: Uncertain significance for Encephalopathy, acute, infection-induced (herpes-specific), susceptibility to, 6. Last evaluated: 2021-06-19. Review status: criteria provided, single submitter. Criteria: Invitae Variant Classification Sherloc (09022015). Collection method: clinical testing. Allele origin: germline.
Comment: This sequence change replaces serine with asparagine at codon 270 of the TICAM1 protein (p.Ser270Asn). The serine residue is weakly conserved and there is a small physicochemical difference between serine and asparagine. In summary, the available evidence is currently insufficient to determine the role of this variant in disease. Therefore, it has been classified as a Variant of Uncertain Significance. Algorithms developed to predict the effect of missense changes on protein structure and function (SIFT, PolyPhen-2, Align-GVGD) all suggest that this variant is likely to be tolerated, but these predictions have not been confirmed by published functional studies and their clinical significance is uncertain. This variant has not been reported in the literature in individuals with TICAM1-related conditions. This variant is not present in population databases (ExAC no frequency).

NM_182919.4(TICAM1):c.809G>A (p.Ser270Asn)

Gene: TICAM1 (TIR domain containing adaptor molecule 1; minus strand). Cytogenetic location: 19p13.3.
Variant type: single nucleotide variant.
Coding change: c.809G>A on transcript NM_182919.4 (MANE Select); coding-DNA position 809, G replaced by A.
Protein change: p.Ser270Asn; replaces serine 270 with asparagine.
Molecular consequence: missense variant.
Genome position (GRCh38, 1-based): chr19:4,817,569, C>T on the plus strand (G>A on the coding strand, the complement: TICAM1 is on the minus strand). VCF-style: chr19-4817569-C-T. GRCh37 (hg19) VCF-style: chr19-4817581-C-T.
Other names: c.767G>A, p.Ser256Asn (NM_001385678.1); c.674G>A, p.Ser225Asn (NM_001385679.1); c.167G>A, p.Ser56Asn (NM_001385680.1); short protein forms S56N, S225N, S256N, S270N.
Identifiers: ClinVar variation 1362617 (VCV001362617.8), dbSNP rs1261663079, ClinGen allele CA403491560.